The following is an entry in ClinVar:

NM_002206.3(ITGA7):c.2737C>T (p.Arg913Trp)

Gene: ITGA7 (integrin subunit alpha 7; minus strand). Cytogenetic location: 12q13.2.
Variant type: single nucleotide variant.
Coding change: c.2737C>T on transcript NM_002206.3 (MANE Select); coding-DNA position 2737, C replaced by T.
Protein change: p.Arg913Trp; replaces arginine 913 with tryptophan.
Molecular consequence: missense variant.
Genome position (GRCh38, 1-based): chr12:55,692,951, G>A on the plus strand (C>T on the coding strand, the complement: ITGA7 is on the minus strand). VCF-style: chr12-55692951-G-A. GRCh37 (hg19) VCF-style: chr12-56086735-G-A.
Other names: c.2749C>T, p.Arg917Trp (NM_001144996.2); c.2458C>T, p.Arg820Trp (NM_001144997.2); c.2410C>T, p.Arg804Trp (NM_001367993.1); c.1393C>T, p.Arg465Trp (NM_001367994.1); c.2719C>T, p.Arg907Trp (NM_001374465.1); c.2869C>T, p.Arg957Trp (NM_001410977.1); c.2731C>T, p.Arg911Trp (NM_001414029.1); c.2662C>T, p.Arg888Trp (NM_001414030.1); and 5 more; short protein forms R913W, R820W, R465W, R917W, R804W, R907W, R957W, R873W.
Identifiers: ClinVar variation 309781 (VCV000309781.47), dbSNP rs140030984, ClinGen allele CA6615477.

ClinVar aggregate classification (germline): Conflicting classifications of pathogenicity. Review status: criteria provided, conflicting classifications (1 of 4 stars). 6 submissions from 6 submitters: Uncertain significance (1); Benign (1); Likely benign (4). Last evaluated 2026-01-21.

Conditions:
ITGA7-related disorder. Also called: ITGA7-related condition.
Congenital muscular dystrophy due to integrin alpha-7 deficiency. Also called: Congenital muscular dystrophy with integrin alpha-7 deficiency; Muscular dystrophy, congenital, due to ITGA7 deficiency; MYOPATHY, CONGENITAL, DUE TO INTEGRIN ALPHA-7 DEFICIENCY. Identifiers: Orphanet 34520, MedGen C2750786, MONDO:0013177, OMIM 613204.

Allele frequency attached by ClinVar (database versions not stated): gnomAD exomes 0.00019 and 0.00046; ExAC 0.00069; TOPMed 0.00162; gnomAD 0.00164 and 0.00169; ESP Exome Variant Server 0.00200; 1000 Genomes Project 0.00260; 1000 Genomes Project 30x 0.00297.
gnomAD v4.1: 532 of 1,613,960 alleles (0.033%); highest among the groups gnomAD compares: African/African-American, 0.61%; 5 homozygotes.

Submissions (9):

Labcorp Genetics (formerly Invitae), Labcorp
Classification: Likely benign for Congenital muscular dystrophy due to integrin alpha-7 deficiency. Last evaluated: 2026-01-21. Review status: criteria provided, single submitter. Criteria: Invitae Variant Classification Sherloc (09022015). Collection method: clinical testing. Allele origin: germline.

Women's Health and Genetics/Laboratory Corporation of America, LabCorp
Classification: Likely benign. Last evaluated: 2025-12-04. Review status: criteria provided, single submitter. Criteria: LabCorp Variant Classification Summary - May 2015. Collection method: clinical testing. Allele origin: germline.
Comment: Variant summary: ITGA7 c.2737C>T (p.Arg913Trp) results in a non-conservative amino acid change in the encoded protein sequence. Algorithms developed to predict the effect of missense changes on protein structure and function are either unavailable or do not agree on the potential impact of this missense change. The variant allele was found at a frequency of 0.00046 in 251242 control chromosomes, predominantly at a frequency of 0.0062 within the African or African-American subpopulation in the gnomAD database. The observed variant frequency within African or African-American control individuals in the gnomAD database exceeds the estimated maximal expected allele frequency for disease-causing variants in ITGA7. To our knowledge, no occurrence of c.2737C>T in individuals affected with ITGA7-related conditions and no experimental evidence demonstrating its impact on protein function have been reported. ClinVar contains an entry for this variant (Variation ID: 309781). Based on the evidence outlined above, the variant was classified as likely benign.

Ambry Genetics
Classification: Uncertain significance. Last evaluated: 2025-08-08. Review status: criteria provided, single submitter. Criteria: Ambry Variant Classification Scheme 2023. Collection method: clinical testing. Allele origin: germline.

PreventionGenetics, part of Exact Sciences
Classification: Likely benign for ITGA7-related condition. Last evaluated: 2025-02-11. Review status: criteria provided, single submitter. Criteria: ACMG Guidelines, 2015. Collection method: clinical testing. Allele origin: germline.
Comment: This variant is classified as likely benign based on ACMG/AMP sequence variant interpretation guidelines (Richards et al. 2015 PMID: 25741868, with internal and published modifications).

CeGaT Center for Human Genetics Tuebingen
Classification: Likely benign. Last evaluated: 2023-04-01. Review status: criteria provided, single submitter. Criteria: CeGaT Center For Human Genetics Tuebingen Variant Classification Criteria Version 2. Collection method: clinical testing. Allele origin: germline. Affected: yes. Observed: 1 variant allele.
Comment: ITGA7: BS1

GeneDx
Classification: Benign. Last evaluated: 2020-08-04. Review status: criteria provided, single submitter. Criteria: GeneDx Variant Classification Process June 2021. Collection method: clinical testing. Allele origin: germline. Affected: yes.

Dr. Peter K. Rogan Lab, Western University
No classification provided (evidence only). Condition: Colon adenocarcinoma. Review status: no classification provided. Collection method: in vitro. Allele origin: not applicable. Functional consequence: skipped exon, retained intron. Not counted in ClinVar's aggregate classification.

Dr. Peter K. Rogan Lab, Western University
No classification provided (evidence only). Condition: Hepatocellular carcinoma. Review status: no classification provided. Collection method: in vitro. Allele origin: not applicable. Functional consequence: skipped exon. Not counted in ClinVar's aggregate classification.

Dr. Peter K. Rogan Lab, Western University
No classification provided (evidence only). Condition: Uterine carcinosarcoma. Review status: no classification provided. Collection method: in vitro. Allele origin: not applicable. Functional consequence: skipped exon. Not counted in ClinVar's aggregate classification.